The following is an entry in ClinVar:

NM_015135.3(NUP205):c.4480-9T>G

Gene: NUP205 (nucleoporin 205; plus strand). Cytogenetic location: 7q33.
Variant type: single nucleotide variant.
Coding change: c.4480-9T>G on transcript NM_015135.3 (MANE Select); 9 bases into the intron before coding-DNA position 4480, T replaced by G.
Molecular consequence: intron variant.
Genome position (GRCh38, 1-based): chr7:135,625,155, T>G. VCF-style: chr7-135625155-T-G. GRCh37 (hg19) VCF-style: chr7-135309903-T-G.
Other names: c.3406-9T>G (NM_001329434.2).
Identifiers: ClinVar variation 1929318 (VCV001929318.5), dbSNP rs1020790410, ClinGen allele CA167059127.
Genomic context (GRCh38, chr7:135,625,155, plus strand): 5'-AAATTCAGTTACTGTTGTTGATTTTGGTAGCATCTACATGTTTTGGACTTTAATTTATTC[T>G]TCCTTCAGATGCTGGCCCTGGCTCTACTTGATAGAATTGTCTCCGTGGATAAACAGCAGC-3'

ClinVar aggregate classification (germline): Uncertain significance (1 of 4 stars; one submission).

Allele frequency attached by ClinVar (database versions not stated): gnomAD exomes below 0.00001; TOPMed 0.00002; gnomAD 0.00005.

Submission:

Labcorp Genetics (formerly Invitae), Labcorp
Classification: Uncertain significance. Last evaluated: 2022-08-22. Review status: criteria provided, single submitter. Criteria: Invitae Variant Classification Sherloc (09022015). Collection method: clinical testing. Allele origin: germline.
Comment: In summary, the available evidence is currently insufficient to determine the role of this variant in disease. Therefore, it has been classified as a Variant of Uncertain Significance. Algorithms developed to predict the effect of sequence changes on RNA splicing suggest that this variant may disrupt the consensus splice site. This variant has not been reported in the literature in individuals affected with NUP205-related conditions. This variant is present in population databases (no rsID available, gnomAD 0.01%). This sequence change falls in intron 31 of the NUP205 gene. It does not directly change the encoded amino acid sequence of the NUP205 protein.